The following is an entry in ClinVar:

ClinVar aggregate classification (germline): Benign. Review status: criteria provided, multiple submitters, no conflicts (2 of 4 stars). 2 submissions from 2 submitters: Benign (2). Last evaluated 2018-06-19.

Allele frequency attached by ClinVar (database versions not stated): gnomAD exomes 0.09078; TOPMed 0.12150; gnomAD 0.12262 and 0.12403; 1000 Genomes Project 30x 0.14834; 1000 Genomes Project 0.14896.
gnomAD v4.1: 135,343 of 1,428,972 alleles (9.5%); highest among the groups gnomAD compares: African/African-American, 18%; 7,201 homozygotes.

Submissions (2):

GeneDx
Classification: Benign. Last evaluated: 2018-06-19. Review status: criteria provided, single submitter. Criteria: GeneDx Variant Classification (06012015). Collection method: clinical testing. Allele origin: germline. Affected: yes.
Comment: This variant is considered likely benign or benign based on one or more of the following criteria: it is a conservative change, it occurs at a poorly conserved position in the protein, it is predicted to be benign by multiple in silico algorithms, and/or has population frequency not consistent with disease.

Breakthrough Genomics
Classification: Benign. Review status: criteria provided, single submitter. Criteria: ACMG Guidelines, 2015. Collection method: not provided. Allele origin: germline. Inheritance: Autosomal dominant inheritance. Affected: yes.

NM_004984.4(KIF5A):c.2539-69G>A

Gene: KIF5A (kinesin family member 5A; plus strand). Cytogenetic location: 12q13.3.
Variant type: single nucleotide variant.
Coding change: c.2539-69G>A on transcript NM_004984.4 (MANE Select); 69 bases into the intron before coding-DNA position 2539, G replaced by A.
Molecular consequence: intron variant.
Genome position (GRCh38, 1-based): chr12:57,580,887, G>A. VCF-style: chr12-57580887-G-A. GRCh37 (hg19) VCF-style: chr12-57974670-G-A.
Other names: c.2272-69G>A (NM_001354705.2).
Identifiers: ClinVar variation 682873 (VCV000682873.2), dbSNP rs775245, ClinGen allele CA13746345.